The following is an entry in ClinVar:

ClinVar aggregate classification (germline): Uncertain significance (1 of 4 stars; one submission).

Conditions:
Deficiency of ferroxidase (ACEP). Also called: Aceruloplasminemia; NEURODEGENERATION WITH BRAIN IRON ACCUMULATION 10; Ceruloplasmin deficiency; Familial apoceruloplasmin deficiency; Hereditary ceruloplasmin deficiency; Deficiency of ceruloplasmin. Identifiers: Orphanet 48818, MedGen C0878682, MONDO:0011426, OMIM 604290, HP:0025498.

Submission:

Labcorp Genetics (formerly Invitae), Labcorp
Classification: Uncertain significance for Deficiency of ferroxidase. Last evaluated: 2018-09-18. Review status: criteria provided, single submitter. Criteria: Invitae Variant Classification Sherloc (09022015). Collection method: clinical testing. Allele origin: germline.
Comment: In summary, the available evidence is currently insufficient to determine the role of this variant in disease. Therefore, it has been classified as a Variant of Uncertain Significance. Algorithms developed to predict the effect of missense changes on protein structure and function output the following: SIFT: "Tolerated"; PolyPhen-2: "Benign"; Align-GVGD: "Class C0". The leucine amino acid residue is found in multiple mammalian species, suggesting that this missense change does not adversely affect protein function. These predictions have not been confirmed by published functional studies and their clinical significance is uncertain. This variant has not been reported in the literature in individuals with CP-related disease. This variant is not present in population databases (ExAC no frequency). This sequence change replaces arginine with leucine at codon 367 of the CP protein (p.Arg367Leu). The arginine residue is weakly conserved and there is a moderate physicochemical difference between arginine and leucine.

NM_000096.4(CP):c.1100G>T (p.Arg367Leu)

Gene: CP (ceruloplasmin; minus strand). Cytogenetic location: 3q25.1.
Variant type: single nucleotide variant.
Coding change: c.1100G>T on transcript NM_000096.4 (MANE Select); coding-DNA position 1100, G replaced by T.
Protein change: p.Arg367Leu; replaces arginine 367 with leucine.
Molecular consequence: missense variant. On other transcripts: non-coding transcript variant (1).
Genome position (GRCh38, 1-based): chr3:149,206,276, C>A on the plus strand (G>T on the coding strand, the complement: CP is on the minus strand). VCF-style: chr3-149206276-C-A. GRCh37 (hg19) VCF-style: chr3-148924063-C-A.
Other names: short protein forms R367L.
Identifiers: ClinVar variation 655871 (VCV000655871.8), dbSNP rs199930098, ClinGen allele CA354913110.